The following is an entry in ClinVar:

NM_005708.5(GPC6):c.853G>A (p.Asp285Asn)

Gene: GPC6 (glypican 6; plus strand). Cytogenetic location: 13q31.3.
Variant type: single nucleotide variant.
Coding change: c.853G>A on transcript NM_005708.5 (MANE Select); coding-DNA position 853, G replaced by A.
Protein change: p.Asp285Asn; replaces aspartic acid 285 with asparagine.
Molecular consequence: missense variant.
Genome position (GRCh38, 1-based): chr13:94,027,870, G>A. VCF-style: chr13-94027870-G-A. GRCh37 (hg19) VCF-style: chr13-94680124-G-A.
Other names: short protein forms D285N.
Identifiers: ClinVar variation 1363846 (VCV001363846.4), dbSNP rs201329039, ClinGen allele CA7016986.

ClinVar aggregate classification (germline): Uncertain significance (1 of 4 stars; one submission).

Allele frequency attached by ClinVar (database versions not stated): 1000 Genomes Project 30x 0.00016; 1000 Genomes Project 0.00020; ExAC 0.00001; gnomAD exomes 0.00001; gnomAD 0.00003 and 0.00004; TOPMed 0.00011.
gnomAD v4.1: 20 of 1,614,026 alleles (0.0012%); highest among the groups gnomAD compares: Middle Eastern, 0.016%; no homozygotes.

Submission:

Labcorp Genetics (formerly Invitae), Labcorp
Classification: Uncertain significance. Last evaluated: 2025-01-06. Review status: criteria provided, single submitter. Criteria: Invitae Variant Classification Sherloc (09022015). Collection method: clinical testing. Allele origin: germline.
Comment: This sequence change replaces aspartic acid, which is acidic and polar, with asparagine, which is neutral and polar, at codon 285 of the GPC6 protein (p.Asp285Asn). This variant is present in population databases (rs201329039, gnomAD 0.006%). This variant has not been reported in the literature in individuals affected with GPC6-related conditions. ClinVar contains an entry for this variant (Variation ID: 1363846). Invitae Evidence Modeling of protein sequence and biophysical properties (such as structural, functional, and spatial information, amino acid conservation, physicochemical variation, residue mobility, and thermodynamic stability) indicates that this missense variant is not expected to disrupt GPC6 protein function with a negative predictive value of 80%. In summary, the available evidence is currently insufficient to determine the role of this variant in disease. Therefore, it has been classified as a Variant of Uncertain Significance.